The following is an entry in ClinVar:

NM_006206.6(PDGFRA):c.491G>C (p.Ser164Thr)

Gene: PDGFRA (platelet derived growth factor receptor alpha; plus strand). Cytogenetic location: 4q12.
Variant type: single nucleotide variant.
Coding change: c.491G>C on transcript NM_006206.6 (MANE Select); coding-DNA position 491, G replaced by C.
Protein change: p.Ser164Thr; replaces serine 164 with threonine.
Molecular consequence: missense variant.
Genome position (GRCh38, 1-based): chr4:54,263,790, G>C. VCF-style: chr4-54263790-G-C. GRCh37 (hg19) VCF-style: chr4-55129957-G-C.
Other names: c.491G>C, p.Ser164Thr (NM_001347827.2, NM_001347829.2); c.566G>C, p.Ser189Thr (NM_001347828.2); c.530G>C, p.Ser177Thr (NM_001347830.2); short protein forms S164T, S177T, S189T.
Identifiers: ClinVar variation 2807490 (VCV002807490.3), dbSNP rs1577709452, ClinGen allele CA356889939.

ClinVar aggregate classification (germline): Uncertain significance (1 of 4 stars; one submission).

Conditions:
Gastrointestinal stromal tumor. Also called: Gastrointestinal stromal tumor, somatic; Gastrointestinal stroma tumor. Identifiers: Orphanet 44890, MedGen C0238198, MeSH D046152, MONDO:0011719, OMIM 606764, HP:0100723.

Submission:

Labcorp Genetics (formerly Invitae), Labcorp
Classification: Uncertain significance for Gastrointestinal stromal tumor. Last evaluated: 2023-01-06. Review status: criteria provided, single submitter. Criteria: Invitae Variant Classification Sherloc (09022015). Collection method: clinical testing. Allele origin: germline.
Comment: In summary, the available evidence is currently insufficient to determine the role of this variant in disease. Therefore, it has been classified as a Variant of Uncertain Significance. This sequence change replaces serine, which is neutral and polar, with threonine, which is neutral and polar, at codon 164 of the PDGFRA protein (p.Ser164Thr). This variant is not present in population databases (gnomAD no frequency). This variant has not been reported in the literature in individuals affected with PDGFRA-related conditions. Algorithms developed to predict the effect of missense changes on protein structure and function (SIFT, PolyPhen-2, Align-GVGD) all suggest that this variant is likely to be tolerated.